The following is an entry in ClinVar:

NM_007194.4(CHEK2):c.505T>G (p.Phe169Val)

Gene: CHEK2 (checkpoint kinase 2; minus strand). Cytogenetic location: 22q12.1.
Variant type: single nucleotide variant.
Coding change: c.505T>G on transcript NM_007194.4 (MANE Select); coding-DNA position 505, T replaced by G.
Protein change: p.Phe169Val; replaces phenylalanine 169 with valine.
Molecular consequence: missense variant. On other transcripts: 5 prime UTR variant (2), intron variant (1).
Genome position (GRCh38, 1-based): chr22:28,725,064, A>C on the plus strand (T>G on the coding strand, the complement: CHEK2 is on the minus strand). VCF-style: chr22-28725064-A-C. GRCh37 (hg19) VCF-style: chr22-29121052-A-C.
Other names: c.634T>G, p.Phe212Val (NM_001005735.3, NM_001438294.1); c.-273T>G (NM_001257387.3); c.-159T>G (NM_001437942.1); c.598T>G, p.Phe200Val (NM_001438293.1, NM_001438295.1); c.505T>G, p.Phe169Val (NM_145862.3); c.445-141T>G (NM_001349956.3); short protein forms F169V, F212V, F200V.
Identifiers: ClinVar variation 628151 (VCV000628151.13), dbSNP rs876659653, ClinGen allele CA411107441.

ClinVar aggregate classification (germline): Uncertain significance. Review status: criteria provided, multiple submitters, no conflicts (2 of 4 stars). 4 submissions from 4 submitters: Uncertain significance (4). Last evaluated 2024-03-25.

Conditions:
Hereditary nonpolyposis colon cancer (HNPCC). Also called: Hereditary nonpolyposis colorectal cancer; Familial nonpolyposis colon cancer; Hereditary Nonpolyposis Colorectal Cancer Syndrome. Identifiers: Orphanet 443909, MedGen C1333990, MONDO:0018630. Disease mechanism: loss of function.
Hereditary cancer-predisposing syndrome. Also called: Neoplastic Syndromes, Hereditary; Tumor predisposition; Hereditary neoplastic syndrome; Hereditary Cancer Syndrome. Identifiers: Orphanet 140162, MedGen C0027672, MeSH D009386, MONDO:0015356.
Familial cancer of breast. Also called: BREAST CANCER, FAMILIAL; Hereditary breast cancer; hereditary breast carcinoma. Identifiers: Orphanet 227535, MedGen C0346153, MONDO:0016419, OMIM 114480. Disease mechanism: loss of function.

Submissions (4):

Department of Pathology and Laboratory Medicine, Sinai Health System
Classification: Uncertain significance for hereditary nonpolyposis colon cancer. Last evaluated: 2024-03-25. Review status: criteria provided, single submitter. Criteria: ACMG Guidelines, 2015. Collection method: clinical testing. Allele origin: germline. Affected: no.

Color Diagnostics, LLC DBA Color Health
Classification: Uncertain significance for Hereditary cancer-predisposing syndrome. Last evaluated: 2023-12-05. Review status: criteria provided, single submitter. Criteria: ACMG Guidelines, 2015. Collection method: clinical testing. Allele origin: germline.
Comment: This missense variant replaces phenylalanine with valine at codon 169 of the CHEK2 protein. Computational prediction suggests that this variant may have deleterious impact on protein structure and function (internally defined REVEL score threshold >= 0.7, PMID: 27666373). To our knowledge, functional studies have not been reported for this variant. This variant has not been reported in individuals affected with CHEK2-related disorders in the literature. This variant has not been identified in the general population by the Genome Aggregation Database (gnomAD). The available evidence is insufficient to determine the role of this variant in disease conclusively. Therefore, this variant is classified as a Variant of Uncertain Significance.

Labcorp Genetics (formerly Invitae), Labcorp
Classification: Uncertain significance for Familial cancer of breast. Last evaluated: 2022-01-11. Review status: criteria provided, single submitter. Criteria: Invitae Variant Classification Sherloc (09022015). Collection method: clinical testing. Allele origin: germline.
Comment: In summary, the available evidence is currently insufficient to determine the role of this variant in disease. Therefore, it has been classified as a Variant of Uncertain Significance. Algorithms developed to predict the effect of missense changes on protein structure and function (SIFT, PolyPhen-2, Align-GVGD) all suggest that this variant is likely to be disruptive. ClinVar contains an entry for this variant (Variation ID: 628151). This variant has not been reported in the literature in individuals affected with CHEK2-related conditions. This variant is not present in population databases (gnomAD no frequency). This sequence change replaces phenylalanine, which is neutral and non-polar, with valine, which is neutral and non-polar, at codon 169 of the CHEK2 protein (p.Phe169Val).

Ambry Genetics
Classification: Uncertain significance for Hereditary cancer-predisposing syndrome. Last evaluated: 2019-04-15. Review status: criteria provided, single submitter. Criteria: Ambry Variant Classification Scheme 2023. Collection method: clinical testing. Allele origin: germline.
Comment: The p.F169V variant (also known as c.505T>G), located in coding exon 3 of the CHEK2 gene, results from a T to G substitution at nucleotide position 505. The phenylalanine at codon 169 is replaced by valine, an amino acid with highly similar properties. This amino acid position is highly conserved in available vertebrate species. In addition, this alteration is predicted to be deleterious by in silico analysis. Since supporting evidence is limited at this time, the clinical significance of this alteration remains unclear.